The following is an entry in ClinVar:

ClinVar aggregate classification (germline): Pathogenic (0 of 4 stars; one submission).

Submission:

Quest Diagnostics Nichols Institute San Juan Capistrano
Classification: Pathogenic. Last evaluated: 2021-01-20. Review status: no assertion criteria provided. Collection method: clinical testing. Allele origin: germline.
Comment: The copy number loss of Xp22.12 involves three protein-coding genes, including multiple exons of the 3-prime portion of CNKSR2 (exons 14-22 on NM_014927.5; OMIM 300724) and the entire SMPX (OMIM 300226), and is expected to cause phenotypic and/or developmental abnormalities. Haploinsufficiency of CNKSR2 via loss-of-function sequencing variants and partial gene deletions (de novo and inherited), including smaller intragenic deletions within the current deleted interval, have been associated with Houge-type X-linked syndromic intellectual disability (MRXSHG; OMIM 301008). The characteristic features include delayed development, intellectual disability, speech and language delay, and early-onset seizures. Affected females have also been reported (Bonardi et al. Clin Neurophysiol. 2020 May;131(5):1030-1039. PMID: 32197126; Daoqi et al., BMC Med Genet. 2020 Apr 3;21(1):69. PMID: 32245427). In addition, Loss-of-function sequencing variants and exonic deletion of SMPX have been reported in individuals with X-linked deafness-4 (OMIM 300066)(Lv et al. Mol Genet Genomic Med. 2019 Nov;7(11):e967. PMID: 31478598; Baux et al. Sci Rep. 2017 Dec 1;7(1):16783. PMID: 29196752; Niu et al. Int J Pediatr Otorhinolaryngol. 2018 Jan;104:47-50. PMID: 29287879). Further, there are no similar copy number losses of this region in the general populations of the Database of Genomic Variants (DGV). Thus, based on literature review and gene content, this copy number loss is interpreted as pathogenic.

GRCh37/hg19 Xp22.12(chrX:21606718-21780720)x0

Genes: CNKSR2 (connector enhancer of kinase suppressor of Ras 2; plus strand), KLHL34 (kelch like family member 34; minus strand), SMPX (small muscle protein X-linked; minus strand). Cytogenetic location: Xp22.12.
Variant type: copy number loss.
Change: copy number 0 of chrX:21,606,718-21,780,720 (174.0 kb, GRCh37 coordinates, 1-based), cytogenetic band Xp22.12.
Identifiers: ClinVar variation 1340807 (VCV001340807.1).